The following is an entry in ClinVar:

NM_001037333.3(CYFIP2):c.1052A>C (p.Gln351Pro)

Gene: CYFIP2 (cytoplasmic FMR1 interacting protein 2; plus strand). Cytogenetic location: 5q33.3.
Variant type: single nucleotide variant.
Coding change: c.1052A>C on transcript NM_001037333.3 (MANE Select); coding-DNA position 1052, A replaced by C.
Protein change: p.Gln351Pro; replaces glutamine 351 with proline.
Molecular consequence: missense variant.
Genome position (GRCh38, 1-based): chr5:157,311,723, A>C. VCF-style: chr5-157311723-A-C. GRCh37 (hg19) VCF-style: chr5-156738731-A-C.
Other names: c.974A>C, p.Gln325Pro (NM_001291721.2); c.1052A>C, p.Gln351Pro (NM_001291722.2, NM_014376.4); short protein forms Q351P, Q325P.
Identifiers: ClinVar variation 1409723 (VCV001409723.5), dbSNP rs1404679458, ClinGen allele CA361968048.

ClinVar aggregate classification (germline): Uncertain significance (1 of 4 stars; one submission).

Allele frequency attached by ClinVar (database versions not stated): gnomAD exomes below 0.00001 and 0.00001; TOPMed below 0.00001; gnomAD 0.00001.
gnomAD v4.1: 6 of 1,610,028 alleles (0.00037%); highest among the groups gnomAD compares: Non-Finnish European, 0.00051%; no homozygotes.

Submission:

Labcorp Genetics (formerly Invitae), Labcorp
Classification: Uncertain significance. Last evaluated: 2022-02-10. Review status: criteria provided, single submitter. Criteria: Invitae Variant Classification Sherloc (09022015). Collection method: clinical testing. Allele origin: germline.
Comment: This sequence change replaces glutamine, which is neutral and polar, with proline, which is neutral and non-polar, at codon 351 of the CYFIP2 protein (p.Gln351Pro). This variant is present in population databases (no rsID available, gnomAD 0.003%). This variant has not been reported in the literature in individuals affected with CYFIP2-related conditions. Algorithms developed to predict the effect of missense changes on protein structure and function are either unavailable or do not agree on the potential impact of this missense change (SIFT: "Tolerated"; PolyPhen-2: "Not Available"; Align-GVGD: "Class C0"). In summary, the available evidence is currently insufficient to determine the role of this variant in disease. Therefore, it has been classified as a Variant of Uncertain Significance.